The following is an entry in ClinVar:

NM_172250.3(MMAA):c.832G>A (p.Gly278Ser)

Gene: MMAA (metabolism of cobalamin associated A; plus strand). Cytogenetic location: 4q31.21.
Variant type: single nucleotide variant.
Coding change: c.832G>A on transcript NM_172250.3 (MANE Select); coding-DNA position 832, G replaced by A.
Protein change: p.Gly278Ser; replaces glycine 278 with serine.
Molecular consequence: missense variant.
Genome position (GRCh38, 1-based): chr4:145,654,006, G>A. VCF-style: chr4-145654006-G-A. GRCh37 (hg19) VCF-style: chr4-146575158-G-A.
Other names: c.832G>A, p.Gly278Ser (NM_001375644.1); short protein forms G278S.
Identifiers: ClinVar variation 1985168 (VCV001985168.4), dbSNP rs2546344807, ClinGen allele CA358342359.

ClinVar aggregate classification (germline): Likely pathogenic (1 of 4 stars; one submission).

Conditions:
Methylmalonic aciduria, cblA type (MACA). Also called: Vitamin B12-responsive methylmalonic acidemia type cblA; Methylmalonic aciduria, vitamin b12-responsive, due to defect in synthesis of adenosylcobalamin, cbla complementation type; MMA cbl A type; Methylmalonic acidemia cblA type; Methylmalonic aciduria, vitamin B12-responsive. Identifiers: Orphanet 28, Orphanet 79310, MedGen C1855109, MONDO:0009613, OMIM 251100.

Allele frequency attached by ClinVar (database versions not stated): gnomAD exomes below 0.00001.
gnomAD v4.1: 1 of 1,614,088 alleles (0.000062%); highest among the groups gnomAD compares: Non-Finnish European, 0.000085%; no homozygotes.

Submission:

Labcorp Genetics (formerly Invitae), Labcorp
Classification: Likely pathogenic for Methylmalonic aciduria, cblA type. Last evaluated: 2023-05-19. Review status: criteria provided, single submitter. Criteria: Invitae Variant Classification Sherloc (09022015). Collection method: clinical testing. Allele origin: germline.
Comment: In summary, the currently available evidence indicates that the variant is pathogenic, but additional data are needed to prove that conclusively. Therefore, this variant has been classified as Likely Pathogenic. This variant disrupts the p.Gly278 amino acid residue in MMAA. Other variant(s) that disrupt this residue have been determined to be pathogenic (PMID: 23716945; Invitae). This suggests that this residue is clinically significant, and that variants that disrupt this residue are likely to be disease-causing. Advanced modeling of protein sequence and biophysical properties (such as structural, functional, and spatial information, amino acid conservation, physicochemical variation, residue mobility, and thermodynamic stability) performed at Invitae indicates that this missense variant is expected to disrupt MMAA protein function. ClinVar contains an entry for this variant (Variation ID: 1985168). This variant has not been reported in the literature in individuals affected with MMAA-related conditions. This variant is not present in population databases (gnomAD no frequency). This sequence change replaces glycine, which is neutral and non-polar, with serine, which is neutral and polar, at codon 278 of the MMAA protein (p.Gly278Ser).

Literature cited by the submitters: PubMed 23716945.